The following is an entry in ClinVar:

NM_001163809.2(WDR81):c.4782C>G (p.Gly1594=)

Gene: WDR81 (WD repeat domain 81; plus strand). Cytogenetic location: 17p13.3.
Variant type: single nucleotide variant.
Coding change: c.4782C>G on transcript NM_001163809.2 (MANE Select); coding-DNA position 4782, C replaced by G.
Protein change: p.Gly1594=; no amino-acid change (glycine 1594 retained).
Molecular consequence: synonymous variant.
Genome position (GRCh38, 1-based): chr17:1,733,819, C>G. VCF-style: chr17-1733819-C-G. GRCh37 (hg19) VCF-style: chr17-1637113-C-G.
Other names: c.1173C>G, p.Gly391= (NM_001163673.2); c.1101C>G, p.Gly367= (NM_001163811.2); c.1629C>G, p.Gly543= (NM_152348.4).
Identifiers: ClinVar variation 2647199 (VCV002647199.24), dbSNP rs762195187, ClinGen allele CA8273660.

ClinVar aggregate classification (germline): Likely benign (1 of 4 stars; one submission).

Allele frequency attached by ClinVar (database versions not stated): ExAC 0.00001; gnomAD 0.00001; TOPMed 0.00001.
gnomAD v4.1: 31 of 1,612,218 alleles (0.0019%); highest among the groups gnomAD compares: Non-Finnish European, 0.0025%; no homozygotes.

Submission:

CeGaT Center for Human Genetics Tuebingen
Classification: Likely benign. Last evaluated: 2026-04-01. Review status: criteria provided, single submitter. Criteria: CeGaT Center For Human Genetics Tuebingen Variant Classification Criteria Version 2. Collection method: clinical testing. Allele origin: germline. Affected: yes. Observed: 2 variant alleles.
Comment: WDR81: BP4, BP7